The following is an entry in ClinVar:

ClinVar aggregate classification (germline): Uncertain significance (1 of 4 stars; one submission).

Conditions:
Hereditary cancer-predisposing syndrome. Also called: Neoplastic Syndromes, Hereditary; Hereditary Cancer Syndrome; Hereditary neoplastic syndrome; Tumor predisposition. Identifiers: Orphanet 140162, MedGen C0027672, MeSH D009386, MONDO:0015356.

Submission:

Ambry Genetics
Classification: Uncertain significance for Hereditary cancer-predisposing syndrome. Last evaluated: 2026-04-01. Review status: criteria provided, single submitter. Criteria: Ambry Variant Classification Scheme 2023. Collection method: clinical testing. Allele origin: germline.
Comment: The c.779+3A>T intronic variant results from an A to T substitution 3 nucleotides after coding exon 4 in the FLCN gene. This nucleotide position is well conserved in available vertebrate species. In silico splice site analysis predicts that this alteration will weaken the native splice donor site and will result in the creation or strengthening of a novel splice donor site; however, direct evidence is insufficient at this time (Ambry internal data). Based on the available evidence, the clinical significance of this variant remains unclear.

NM_144997.7(FLCN):c.779+3A>T

Gene: FLCN (folliculin; minus strand). Cytogenetic location: 17p11.2.
Variant type: single nucleotide variant.
Coding change: c.779+3A>T on transcript NM_144997.7 (MANE Select); 3 bases into the intron after coding-DNA position 779, A replaced by T.
Molecular consequence: intron variant.
Genome position (GRCh38, 1-based): chr17:17,222,498, T>A on the plus strand (A>T on the coding strand, the complement: FLCN is on the minus strand). VCF-style: chr17-17222498-T-A. GRCh37 (hg19) VCF-style: chr17-17125812-T-A.
Other names: c.779+3A>T (NM_001353231.2, NM_001353230.2, NM_144606.7); c.833+3A>T (NM_001353229.2).
Identifiers: ClinVar variation 4871363 (VCV004871363.1).